The following is an entry in ClinVar:

NM_007074.4(CORO1A):c.471G>T (p.Met157Ile)

Gene: CORO1A (coronin 1A; plus strand). Cytogenetic location: 16p11.2.
Variant type: single nucleotide variant.
Coding change: c.471G>T on transcript NM_007074.4 (MANE Select); coding-DNA position 471, G replaced by T.
Protein change: p.Met157Ile; replaces methionine 157 with isoleucine.
Molecular consequence: missense variant.
Genome position (GRCh38, 1-based): chr16:30,187,058, G>T. VCF-style: chr16-30187058-G-T. GRCh37 (hg19) VCF-style: chr16-30198379-G-T.
Other names: c.471G>T, p.Met157Ile (NM_001193333.3); short protein forms M157I.
Identifiers: ClinVar variation 2090330 (VCV002090330.4), dbSNP rs758724676, ClinGen allele CA8003144.

ClinVar aggregate classification (germline): Uncertain significance (1 of 4 stars; one submission).

Conditions:
Severe combined immunodeficiency due to CORO1A deficiency. Also called: Immunodeficiency 8; IMMUNODEFICIENCY 8 WITH LYMPHOPROLIFERATION. Identifiers: Orphanet 228003, MedGen C3809383, MONDO:0014168, OMIM 615401.

Allele frequency attached by ClinVar (database versions not stated): ExAC 0.00001; gnomAD exomes 0.00001.

Submission:

Labcorp Genetics (formerly Invitae), Labcorp
Classification: Uncertain significance for Severe combined immunodeficiency due to CORO1A deficiency. Last evaluated: 2022-07-03. Review status: criteria provided, single submitter. Criteria: Invitae Variant Classification Sherloc (09022015). Collection method: clinical testing. Allele origin: germline.
Comment: In summary, the available evidence is currently insufficient to determine the role of this variant in disease. Therefore, it has been classified as a Variant of Uncertain Significance. Algorithms developed to predict the effect of missense changes on protein structure and function (SIFT, PolyPhen-2, Align-GVGD) all suggest that this variant is likely to be tolerated. This variant has not been reported in the literature in individuals affected with CORO1A-related conditions. This variant is present in population databases (rs758724676, gnomAD 0.002%). This sequence change replaces methionine, which is neutral and non-polar, with isoleucine, which is neutral and non-polar, at codon 157 of the CORO1A protein (p.Met157Ile).